The following is an entry in ClinVar:

NM_015139.3(SLC35D1):c.596C>T (p.Ala199Val)

Gene: SLC35D1 (solute carrier family 35 member D1; minus strand). Cytogenetic location: 1p31.3.
Variant type: single nucleotide variant.
Coding change: c.596C>T on transcript NM_015139.3 (MANE Select); coding-DNA position 596, C replaced by T.
Protein change: p.Ala199Val; replaces alanine 199 with valine.
Molecular consequence: missense variant.
Genome position (GRCh38, 1-based): chr1:67,047,305, G>A on the plus strand (C>T on the coding strand, the complement: SLC35D1 is on the minus strand). VCF-style: chr1-67047305-G-A. GRCh37 (hg19) VCF-style: chr1-67512988-G-A.
Other names: short protein forms A199V.
Identifiers: ClinVar variation 2711672 (VCV002711672.3), dbSNP rs1367006457, ClinGen allele CA340704522.

ClinVar aggregate classification (germline): Uncertain significance (1 of 4 stars; one submission).

Conditions:
Schneckenbecken dysplasia. Identifiers: Orphanet 3144, MedGen C0432194, MONDO:0010013, OMIM 269250.

Allele frequency attached by ClinVar (database versions not stated): gnomAD exomes below 0.00001.
gnomAD v4.1: 2 of 1,613,424 alleles (0.00012%); highest among the groups gnomAD compares: Admixed American, 0.0033%; no homozygotes.

Submission:

Labcorp Genetics (formerly Invitae), Labcorp
Classification: Uncertain significance for Schneckenbecken dysplasia. Last evaluated: 2024-04-16. Review status: criteria provided, single submitter. Criteria: Invitae Variant Classification Sherloc (09022015). Collection method: clinical testing. Allele origin: germline.
Comment: This sequence change replaces alanine, which is neutral and non-polar, with valine, which is neutral and non-polar, at codon 199 of the SLC35D1 protein (p.Ala199Val). This variant is present in population databases (no rsID available, gnomAD 0.003%). This variant has not been reported in the literature in individuals affected with SLC35D1-related conditions. Advanced modeling of protein sequence and biophysical properties (such as structural, functional, and spatial information, amino acid conservation, physicochemical variation, residue mobility, and thermodynamic stability) performed at Invitae indicates that this missense variant is not expected to disrupt SLC35D1 protein function with a negative predictive value of 80%. In summary, the available evidence is currently insufficient to determine the role of this variant in disease. Therefore, it has been classified as a Variant of Uncertain Significance.